The following is an entry in ClinVar:

NM_024312.5(GNPTAB):c.1678_1679insAGACA (p.Gly560fs)

Gene: GNPTAB (N-acetylglucosamine-1-phosphate transferase subunits alpha and beta; minus strand). Cytogenetic location: 12q23.2.
Variant type: Insertion.
Coding change: c.1678_1679insAGACA on transcript NM_024312.5 (MANE Select); coding-DNA positions 1678 to 1679, AGACA inserted.
Protein change: p.Gly560fs; shifts the reading frame from glycine 560.
Molecular consequence: frameshift variant.
Genome position: GRCh38 VCF-style: chr12-101765238-C-CTGTCT. GRCh37 (hg19) VCF-style: chr12-102159016-C-CTGTCT.
Other names: short protein forms G560fs.
Identifiers: ClinVar variation 1724529 (VCV001724529.3), dbSNP rs2547958000, ClinGen allele CA2580085699.
Genomic context (GRCh38, chr12:101,765,238, plus strand): 5'-TAGGCACCTTCAACTCCTCTTTTGGCTACTTCTGCAAAGCTGAAATAAGGCAGGCATTCA[C>CTGTCT]CTTTTGGAATAATATAGTGAGTCTGGTTTGGGAGAAGGATCACTTTATACAATTCATGAA-3'

ClinVar aggregate classification (germline): Likely pathogenic (1 of 4 stars; one submission).

Conditions:
GNPTAB-mucolipidosis. Also called: UDP-N-acetylglucosamine-1-phosphotransferase subunit alpha/beta deficiency. Identifiers: MedGen CN322573, MONDO:0100122.

Submission:

Myriad Genetics, Inc.
Classification: Likely pathogenic for GNPTAB-mucolipidosis. Last evaluated: 2022-02-19. Review status: criteria provided, single submitter. Criteria: Myriad Autosomal Dominant, Autosomal Recessive and X-Linked Classification Criteria (2023). Collection method: clinical testing. Allele origin: unknown.
Comment: NM_024312.4(GNPTAB):c.1678_1679ins5(G560Efs*14) is expected to be pathogenic in the context of GNPTAB-related disorders. This variant is predicted to lead to an abnormal or absent protein product due to the creation of a premature termination codon in GNPTAB, a gene where loss-of-function variants are known to be pathogenic. Please note: this variant was assessed in the context of healthy population screening.